The following is an entry in ClinVar:

ClinVar aggregate classification (germline): Uncertain significance. Review status: criteria provided, multiple submitters, no conflicts (2 of 4 stars). 6 submissions from 6 submitters: Uncertain significance (4). 2 of the submissions do not count toward it. Last evaluated 2025-07-24.

Conditions:
DNAH5-related disorder. Also called: DNAH5-related condition.
Primary ciliary dyskinesia. Also called: Ciliary dyskinesia. Identifiers: Orphanet 244, MedGen C0008780, MONDO:0016575, HP:0012265.
Primary ciliary dyskinesia 3. Identifiers: Orphanet 244, MedGen C1837618, MONDO:0012085, OMIM 608644.

Allele frequency attached by ClinVar (database versions not stated): gnomAD 0.00006 and 0.00007; TOPMed 0.00006; gnomAD exomes 0.00007 and 0.00008; ExAC 0.00008; ESP Exome Variant Server 0.00008.
gnomAD v4.1: 114 of 1,613,988 alleles (0.0071%); highest among the groups gnomAD compares: South Asian, 0.044%; no homozygotes.

Submissions (6):

Myriad Genetics, Inc.
Classification: Uncertain significance for Primary ciliary dyskinesia 3. Last evaluated: 2025-07-24. Review status: criteria provided, single submitter. Criteria: Myriad Autosomal Dominant, Autosomal Recessive and X-Linked Classification Criteria (2023). Collection method: clinical testing. Allele origin: unknown.
Comment: NM_001369.2(DNAH5):c.8611T>C(F2871L) is a missense variant classified as a variant of uncertain significance in the context of primary ciliary dyskinesia, DNAH5-related. F2871L has been observed in cases with relevant disease (PMID: 39180133). Relevant functional assessments of this variant are not available in the literature. F2871L has been observed in referenced population frequency databases. In summary, there is insufficient evidence to classify NM_001369.2(DNAH5):c.8611T>C(F2871L) as pathogenic or benign. Please note: this variant was assessed in the context of healthy population screening.

CeGaT Center for Human Genetics Tuebingen
Classification: Uncertain significance. Last evaluated: 2025-01-01. Review status: criteria provided, single submitter. Criteria: CeGaT Center For Human Genetics Tuebingen Variant Classification Criteria Version 2. Collection method: clinical testing. Allele origin: germline. Affected: yes. Observed: 1 variant allele.
Comment: DNAH5: PM2:Supporting

Labcorp Genetics (formerly Invitae), Labcorp
Classification: Uncertain significance for Primary ciliary dyskinesia. Last evaluated: 2024-12-12. Review status: criteria provided, single submitter. Criteria: Invitae Variant Classification Sherloc (09022015). Collection method: clinical testing. Allele origin: germline.
Comment: This sequence change replaces phenylalanine, which is neutral and non-polar, with leucine, which is neutral and non-polar, at codon 2871 of the DNAH5 protein (p.Phe2871Leu). This variant is present in population databases (rs138494768, gnomAD 0.04%). This missense change has been observed in individual(s) with clinical features of primary ciliary dyskinesia (internal data). In at least one individual the data is consistent with being in trans (on the opposite chromosome) from a pathogenic variant. It has also been observed to segregate with disease in related individuals. ClinVar contains an entry for this variant (Variation ID: 1022053). Invitae Evidence Modeling of protein sequence and biophysical properties (such as structural, functional, and spatial information, amino acid conservation, physicochemical variation, residue mobility, and thermodynamic stability) indicates that this missense variant is not expected to disrupt DNAH5 protein function with a negative predictive value of 95%. In summary, the available evidence is currently insufficient to determine the role of this variant in disease. Therefore, it has been classified as a Variant of Uncertain Significance.

Institute Of Molecular Biology And Genetics, Federal Almazov National Medical Research Centre
Classification: Uncertain significance for Primary ciliary dyskinesia. Last evaluated: 2023-12-11. Review status: criteria provided, single submitter. Criteria: ACMG Guidelines, 2015. Collection method: clinical testing. Allele origin: germline. Affected: yes. Observed: 1 variant allele.
Comment: This sequence change replaces phenylalanine with leucine at codon 2871 of the DNAH5 protein (p.Phe2871Leu). The c.8611T>C variant has a low population allele frequency (gnomAD Genomes, Version 3.1.2: ƒ = 0.0000657). Some in silico pathogenicity prediction tools, like EIGEN, MetaRNN, PROVEAN, FATHMM-MKL, Mutation assessor, predicted the c.8611T>C to be likely deleterious. ClinVar contains an entry for this variant (Variation ID:1022053): it was reported twice in PCD-patients, with conflicting interpretations of pathogenicity. In summary, the available evidence is currently insufficient to determine the role of this variant in disease. Therefore, it has been classified as a Variant of Uncertain Significance.

PreventionGenetics, part of Exact Sciences
Classification: Uncertain significance for DNAH5-related condition. Last evaluated: 2024-05-07. Review status: no assertion criteria provided. Collection method: clinical testing. Allele origin: germline. Not counted in ClinVar's aggregate classification.
Comment: The DNAH5 c.8611T>C variant is predicted to result in the amino acid substitution p.Phe2871Leu. To our knowledge, this variant has not been reported in the literature. This variant is reported in 0.039% of alleles in individuals of South Asian descent in gnomAD. At this time, the clinical significance of this variant is uncertain due to the absence of conclusive functional and genetic evidence.

Natera, Inc.
Classification: Uncertain significance for Primary ciliary dyskinesia. Last evaluated: 2020-02-13. Review status: no assertion criteria provided. Collection method: clinical testing. Allele origin: germline. Not counted in ClinVar's aggregate classification.

Literature cited by the submitters: PubMed 39180133 (cited by Myriad Genetics, Inc.).

NM_001369.3(DNAH5):c.8611T>C (p.Phe2871Leu)

Gene: DNAH5 (dynein axonemal heavy chain 5; minus strand). Cytogenetic location: 5p15.2.
Variant type: single nucleotide variant.
Coding change: c.8611T>C on transcript NM_001369.3 (MANE Select); coding-DNA position 8611, T replaced by C.
Protein change: p.Phe2871Leu; replaces phenylalanine 2871 with leucine.
Molecular consequence: missense variant.
Genome position (GRCh38, 1-based): chr5:13,788,752, A>G on the plus strand (T>C on the coding strand, the complement: DNAH5 is on the minus strand). VCF-style: chr5-13788752-A-G. GRCh37 (hg19) VCF-style: chr5-13788861-A-G.
Other names: c.8611T>C (NM_001369.2); short protein forms F2871L.
Identifiers: ClinVar variation 1022053 (VCV001022053.25), dbSNP rs138494768, ClinGen allele CA3202786.